The following is an entry in ClinVar:

ClinVar aggregate classification (germline): Likely pathogenic (1 of 4 stars; one submission).

Conditions:
Dilated cardiomyopathy 1G (CMD1G). Identifiers: Orphanet 154, MedGen C1858763, MONDO:0011400, OMIM 604145.
Autosomal recessive limb-girdle muscular dystrophy type 2J (LGMDR10). Also called: Limb-girdle muscular dystrophy, type 2J; MUSCULAR DYSTROPHY, LIMB-GIRDLE, AUTOSOMAL RECESSIVE 10. Identifiers: Orphanet 140922, MedGen C1837342, MONDO:0012127, OMIM 608807.

Submission:

Labcorp Genetics (formerly Invitae), Labcorp
Classification: Likely pathogenic for Dilated cardiomyopathy 1G; Autosomal recessive limb-girdle muscular dystrophy type 2J. Last evaluated: 2019-11-27. Review status: criteria provided, single submitter. Criteria: Invitae Variant Classification Sherloc (09022015). Collection method: clinical testing. Allele origin: germline.
Comment: In summary, the currently available evidence indicates that the variant is pathogenic, but additional data are needed to prove that conclusively. Therefore, this variant has been classified as Likely Pathogenic. Algorithms developed to predict the effect of sequence changes on RNA splicing suggest that this variant may create or strengthen a splice site, but this prediction has not been confirmed by published transcriptional studies. This variant is located in the A band of TTN (PMID: 25589632). Truncating variants in this region are significantly overrepresented in patients affected with dilated cardiomyopathy (PMID: 25589632). Truncating variants in this region have also been reported in individuals affected with autosomal recessive centronuclear myopathy (PMID: 23975875). This variant has not been reported in the literature in individuals with TTN-related disease. This variant is not present in population databases (ExAC no frequency). This sequence change results in a premature translational stop signal in the TTN gene (p.Gly31031*). While this is not anticipated to result in nonsense mediated decay, it is expected to create a truncated TTN protein.

Literature cited by the submitters: PubMed 25589632; PubMed 23975875.

NM_001267550.2(TTN):c.93091G>T (p.Gly31031Ter)

Genes: TTN-AS1 (TTN antisense RNA 1; plus strand), TTN (titin; minus strand). Cytogenetic location: 2q31.2.
Variant type: single nucleotide variant.
Coding change: c.93091G>T on transcript NM_001267550.2 (MANE Select); coding-DNA position 93091, G replaced by T.
Protein change: p.Gly31031Ter; replaces glycine 31031 with a stop codon.
Molecular consequence: nonsense.
Genome position (GRCh38, 1-based): chr2:178,548,535, C>A on the plus strand (G>T on the coding strand, the complement: TTN is on the minus strand). VCF-style: chr2-178548535-C-A. GRCh37 (hg19) VCF-style: chr2-179413262-C-A.
Other names: c.88168G>T, p.Gly29390Ter (NM_001256850.1); c.65896G>T, p.Gly21966Ter (NM_003319.4); c.85387G>T, p.Gly28463Ter (NM_133378.4); c.66271G>T, p.Gly22091Ter (NM_133432.3); c.66472G>T, p.Gly22158Ter (NM_133437.4); short protein forms G28463*, G31031*, G21966*, G22091*, G22158*, G29390*.
Identifiers: ClinVar variation 641590 (VCV000641590.11), dbSNP rs907669905, ClinGen allele CA349487952.
Genomic context (GRCh38, chr2:178,548,535, plus strand): 5'-AATGATGGATTCGGGCACCACCGTCAAGAAGAGGGGCATCCCACATCAATGTAGCAGATC[C>A]CCGGGTCACATCTTTGAAGGTAATTGGGCCAGGTGGGCCTGGAGTGTCTAGCACTTTCAC-3'